The following is an entry in ClinVar:

ClinVar aggregate classification (germline): Uncertain significance. Review status: criteria provided, multiple submitters, no conflicts (2 of 4 stars). 2 submissions from 2 submitters: Uncertain significance (2). Last evaluated 2024-09-15.

Conditions:
Noonan syndrome 8 (NS8). Identifiers: Orphanet 648, MedGen C3809233, MONDO:0014143, OMIM 615355.

Allele frequency attached by ClinVar (database versions not stated): gnomAD exomes below 0.00001; TOPMed below 0.00001.
gnomAD v4.1: 1 of 1,613,976 alleles (0.000062%); no homozygotes.

Submissions (2):

Labcorp Genetics (formerly Invitae), Labcorp
Classification: Uncertain significance for Noonan syndrome 8. Last evaluated: 2024-09-15. Review status: criteria provided, single submitter. Criteria: Invitae Variant Classification Sherloc (09022015). Collection method: clinical testing. Allele origin: germline.
Comment: This sequence change replaces threonine, which is neutral and polar, with methionine, which is neutral and non-polar, at codon 103 of the RIT1 protein (p.Thr103Met). This variant is not present in population databases (gnomAD no frequency). This variant has not been reported in the literature in individuals affected with RIT1-related conditions. ClinVar contains an entry for this variant (Variation ID: 2575547). Invitae Evidence Modeling of protein sequence and biophysical properties (such as structural, functional, and spatial information, amino acid conservation, physicochemical variation, residue mobility, and thermodynamic stability) indicates that this missense variant is expected to disrupt RIT1 protein function with a positive predictive value of 95%. In summary, the available evidence is currently insufficient to determine the role of this variant in disease. Therefore, it has been classified as a Variant of Uncertain Significance.

GeneDx
Classification: Uncertain significance. Last evaluated: 2023-02-09. Review status: criteria provided, single submitter. Criteria: GeneDx Variant Classification Process June 2021. Collection method: clinical testing. Allele origin: germline. Affected: yes.
Comment: Not observed at significant frequency in large population cohorts (gnomAD); In silico analysis supports that this missense variant has a deleterious effect on protein structure/function; Has not been previously published as pathogenic or benign to our knowledge

NM_006912.6(RIT1):c.308C>T (p.Thr103Met)

Gene: RIT1 (Ras like without CAAX 1; minus strand). Cytogenetic location: 1q22.
Variant type: single nucleotide variant.
Coding change: c.308C>T on transcript NM_006912.6 (MANE Select); coding-DNA position 308, C replaced by T.
Protein change: p.Thr103Met; replaces threonine 103 with methionine.
Molecular consequence: missense variant.
Genome position (GRCh38, 1-based): chr1:155,904,432, G>A on the plus strand (C>T on the coding strand, the complement: RIT1 is on the minus strand). VCF-style: chr1-155904432-G-A. GRCh37 (hg19) VCF-style: chr1-155874223-G-A.
Other names: c.200C>T, p.Thr67Met (NM_001256820.2); c.359C>T, p.Thr120Met (NM_001256821.2); short protein forms T103M, T120M, T67M.
Identifiers: ClinVar variation 2575547 (VCV002575547.3), dbSNP rs1673389476, ClinGen allele CA342802602.
Genomic context (GRCh38, chr1:155,904,432, plus strand): 5'-CGTCGGACTCGATAAATAAGCTGTTTAAACTCACGAACTTCATGGAAACTTCGACGATCC[G>A]TGATAGAGTAACAGATGATAAACCCTTCTCCTGCCCTCATATACTGGTCCCGCATGGCTG-3'
Protein context (NP_008843.1, residues 93-113): GEGFIICYSI[Thr103Met]DRRSFHEVRE